The following is an entry in ClinVar:

NM_000051.4(ATM):c.4575_4578delinsTCCT (p.Ile1525_Pro1526=)

Gene: ATM (ATM serine/threonine kinase; plus strand). Cytogenetic location: 11q22.3.
Variant type: Indel.
Coding change: c.4575_4578delinsTCCT on transcript NM_000051.4 (MANE Select); coding-DNA positions 4575 to 4578, ACCC replaced by TCCT.
Protein change: p.Ile1525_Pro1526=.
Molecular consequence: synonymous variant.
Genome position (GRCh38, 1-based): chr11:108,292,757-108,292,760, ACCC replaced by TCCT. VCF-style: chr11-108292757-ACCC-TCCT. GRCh37 (hg19) VCF-style: chr11-108163484-ACCC-TCCT.
Other names: c.4575_4578delinsTCCT, p.Ile1525_Pro1526= (NM_001351834.2).
Identifiers: ClinVar variation 3254027 (VCV003254027.1), dbSNP rs2546925940.

ClinVar aggregate classification (germline): Benign (1 of 4 stars; one submission).

Conditions:
Familial cancer of breast. Also called: BREAST CANCER, FAMILIAL; Hereditary breast cancer; hereditary breast carcinoma. Identifiers: Orphanet 227535, MedGen C0346153, MONDO:0016419, OMIM 114480. Disease mechanism: loss of function.

Submission:

Myriad Genetics, Inc.
Classification: Benign for Familial cancer of breast. Last evaluated: 2024-05-20. Review status: criteria provided, single submitter. Criteria: Myriad Autosomal Dominant, Autosomal Recessive and X-Linked Classification Criteria (2023). Collection method: clinical testing. Allele origin: unknown.
Comment: This variant is considered benign. This variant is a silent/synonymous amino acid change and it is not expected to impact splicing.